The following is an entry in ClinVar:

NM_006662.3(SRCAP):c.6127+1G>A

Gene: SRCAP (Snf2 related CREBBP activator protein; plus strand). Cytogenetic location: 16p11.2.
Variant type: single nucleotide variant.
Coding change: c.6127+1G>A on transcript NM_006662.3 (MANE Select); the canonical splice donor site of the intron after coding-DNA position 6127, G replaced by A.
Molecular consequence: splice donor variant.
Genome position (GRCh38, 1-based): chr16:30,729,573, G>A. VCF-style: chr16-30729573-G-A. GRCh37 (hg19) VCF-style: chr16-30740894-G-A.
Identifiers: ClinVar variation 4888324 (VCV004888324.1).
Genomic context (GRCh38, chr16:30,729,573, plus strand): 5'-GTATTGTGTGTAACATGCGCACCCAGTTCCCTGACTTAAGACTCATCCAGTATGATTGCG[G>A]TGAGTTTGTTGGCCAGTGTAGGACCCTTGACTTCTCTTCTTTTCTTAGTATTAAGACTGT-3'

ClinVar aggregate classification (germline): Likely pathogenic (1 of 4 stars; one submission).

Conditions:
Developmental delay, hypotonia, musculoskeletal defects, and behavioral abnormalities. Identifiers: MedGen C5562012, MONDO:0859202, OMIM 619595.

Submission:

New York Genome Center
Classification: Likely pathogenic for Developmental delay, hypotonia, musculoskeletal defects, and behavioral abnormalities. Last evaluated: 2024-02-15. Review status: criteria provided, single submitter. Criteria: NYGC Assertion Criteria 2020. Collection method: clinical testing. Allele origin: de novo. Observed: 1 variant allele, 1 heterozygote.
Comment: The apparently de novo heterozygous c.6127+1G>A variant in SRCAP has not previously been reported in the literature or public variant repositories (ClinVar and LOVD). The c.6127+1G>A variant in SRCAP is absent from population databases (gnomADv4.0.0, TOPMed Freeze 10, All of Us), suggesting it is not a common benign variant in the populations represented in those databases. The c.6127+1G>A variant in SRCAP is located in the canonical splice donor site of intron 27 of this 34-exon gene and is predicted to disrupt mRNA splicing of an out of frame exon. This is predicted to result in an out of frame mRNA transcript with premature termination which would be subjected to nonsense mediated mRNA decay, resulting in haploinsufficiency of SRCAP. Other canonical splice variants in SRCAP (c.55-1G>A and c.3893-2A>G) have been reported in the literature [PMID:33909990] and ClinVar [ClinVarID:995426,995421] in individuals with ‘non-FLHS SRCAP-related NDD’. Based on available evidence, this heterozygous apparently de novo variant c.6127+1G>A identified in the SRCAP gene is classified as Likely Pathogenic.